The following is an entry in ClinVar:

ClinVar aggregate classification (germline): Uncertain significance (1 of 4 stars; one submission).

Conditions:
Joubert syndrome 15 (JBTS15). Identifiers: Orphanet 475, MedGen C3280897, MONDO:0013763, OMIM 614464.

Submission:

Labcorp Genetics (formerly Invitae), Labcorp
Classification: Uncertain significance for Joubert syndrome 15. Last evaluated: 2023-07-10. Review status: criteria provided, single submitter. Criteria: Invitae Variant Classification Sherloc (09022015). Collection method: clinical testing. Allele origin: germline.
Comment: Advanced modeling of protein sequence and biophysical properties (such as structural, functional, and spatial information, amino acid conservation, physicochemical variation, residue mobility, and thermodynamic stability) performed at Invitae indicates that this missense variant is not expected to disrupt CEP41 protein function. In summary, the available evidence is currently insufficient to determine the role of this variant in disease. Therefore, it has been classified as a Variant of Uncertain Significance. Algorithms developed to predict the effect of sequence changes on RNA splicing suggest that this variant may create or strengthen a splice site. ClinVar contains an entry for this variant (Variation ID: 1365340). This variant has not been reported in the literature in individuals affected with CEP41-related conditions. This variant is not present in population databases (gnomAD no frequency). This sequence change replaces lysine, which is basic and polar, with arginine, which is basic and polar, at codon 220 of the CEP41 protein (p.Lys220Arg).

NM_018718.3(CEP41):c.659A>G (p.Lys220Arg)

Gene: CEP41 (centrosomal protein 41; minus strand). Cytogenetic location: 7q32.2.
Variant type: single nucleotide variant.
Coding change: c.659A>G on transcript NM_018718.3 (MANE Select); coding-DNA position 659, A replaced by G.
Protein change: p.Lys220Arg; replaces lysine 220 with arginine.
Molecular consequence: missense variant. On other transcripts: non-coding transcript variant (1).
Genome position (GRCh38, 1-based): chr7:130,400,805, T>C on the plus strand (A>G on the coding strand, the complement: CEP41 is on the minus strand). VCF-style: chr7-130400805-T-C. GRCh37 (hg19) VCF-style: chr7-130040646-T-C.
Other names: c.659A>G, p.Lys220Arg (NM_001257158.2); c.611A>G, p.Lys204Arg (NM_001257159.2); short protein forms K204R, K220R.
Identifiers: ClinVar variation 1365340 (VCV001365340.6), dbSNP rs1472855500, ClinGen allele CA369288044.